The following is an entry in ClinVar:

NM_183075.3(CYP2U1):c.1084_1088del (p.Leu362fs)

Gene: CYP2U1 (cytochrome P450 family 2 subfamily U member 1; plus strand). Cytogenetic location: 4q25.
Variant type: Deletion.
Coding change: c.1084_1088del on transcript NM_183075.3 (MANE Select); coding-DNA positions 1084 to 1088, 5 bases deleted (CTCTG; older notation c.1084_1088delCTCTG).
Protein change: p.Leu362fs; shifts the reading frame from leucine 362.
Molecular consequence: frameshift variant.
Genome position (GRCh38, 1-based): chr4:107,945,563-107,945,567, CTCTG deleted; deleting any 5 consecutive bases within chr4:107,945,561-107,945,567 gives the same sequence; the c. name uses the placement nearest the transcript's 3' end. VCF-style (leftmost placement, unchanged base first): chr4-107945560-TTGCTC-T. GRCh37 (hg19) VCF-style: chr4-108866716-TTGCTC-T.
Other names: short protein forms L362fs.
Identifiers: ClinVar variation 3381975 (VCV003381975.2).

ClinVar aggregate classification (germline): Pathogenic (1 of 4 stars; one submission).

Conditions:
Hereditary spastic paraplegia 56. Also called: Spastic Paraplegia 56; SPASTIC PARAPLEGIA 56, AUTOSOMAL RECESSIVE, WITH OR WITHOUT PSEUDOXANTHOMA ELASTICUM; Spastic paraplegia 56, autosomal recessive. Identifiers: Orphanet 320411, MedGen C3539507, MONDO:0014015, OMIM 615030.

Submission:

Juno Genomics, Hangzhou Juno Genomics, Inc
Classification: Pathogenic for Hereditary spastic paraplegia 56. Review status: criteria provided, single submitter. Criteria: ACMG Guidelines, 2015. Collection method: clinical testing. Allele origin: germline. Affected: yes.
Comment: Absent from controls (or at extremely low frequency if recessive) in Genome Aggregation Database, Exome Sequencing Project, 1000 Genomes Project, or Exome Aggregation Consortium.;Null variant in a gene where loss of function (LOF) is a known mechanism of disease.;Patient's phenotype or family history is highly specific for a disease with a single genetic etiology.